The following is an entry in ClinVar:

ClinVar aggregate classification (germline): Uncertain significance. Review status: criteria provided, multiple submitters, no conflicts (2 of 4 stars). 2 submissions from 2 submitters: Uncertain significance (2). Last evaluated 2024-02-11.

Conditions:
Neuroblastoma, susceptibility to, 3. Also called: ALK-Related Neuroblastic Tumor Susceptibility. Identifiers: Orphanet 635, MedGen C2751681, MONDO:0013083, OMIM 613014.

Allele frequency attached by ClinVar (database versions not stated): gnomAD exomes 0.00001.
gnomAD v4.1: 2 of 1,614,098 alleles (0.00012%); highest among the groups gnomAD compares: East Asian, 0.0045%; no homozygotes.

Submissions (2):

Labcorp Genetics (formerly Invitae), Labcorp
Classification: Uncertain significance for Neuroblastoma, susceptibility to, 3. Last evaluated: 2024-02-11. Review status: criteria provided, single submitter. Criteria: Invitae Variant Classification Sherloc (09022015). Collection method: clinical testing. Allele origin: germline.
Comment: This sequence change replaces methionine, which is neutral and non-polar, with lysine, which is basic and polar, at codon 301 of the ALK protein (p.Met301Lys). This variant is present in population databases (rs372244228, gnomAD 0.02%). This variant has not been reported in the literature in individuals affected with ALK-related conditions. ClinVar contains an entry for this variant (Variation ID: 840995). An algorithm developed to predict the effect of missense changes on protein structure and function (PolyPhen-2) suggests that this variant is likely to be tolerated. In summary, the available evidence is currently insufficient to determine the role of this variant in disease. Therefore, it has been classified as a Variant of Uncertain Significance.

Baylor Genetics
Classification: Uncertain significance for Neuroblastoma, susceptibility to, 3. Last evaluated: 2024-01-26. Review status: criteria provided, single submitter. Criteria: ACMG Guidelines, 2015. Collection method: clinical testing. Allele origin: unknown.

NM_004304.5(ALK):c.902T>A (p.Met301Lys)

Gene: ALK (ALK receptor tyrosine kinase; minus strand). Cytogenetic location: 2p23.2.
Variant type: single nucleotide variant.
Coding change: c.902T>A on transcript NM_004304.5 (MANE Select); coding-DNA position 902, T replaced by A.
Protein change: p.Met301Lys; replaces methionine 301 with lysine.
Molecular consequence: missense variant.
Genome position (GRCh38, 1-based): chr2:29,694,900, A>T on the plus strand (T>A on the coding strand, the complement: ALK is on the minus strand). VCF-style: chr2-29694900-A-T. GRCh37 (hg19) VCF-style: chr2-29917766-A-T.
Other names: short protein forms M301K.
Identifiers: ClinVar variation 840995 (VCV000840995.10), dbSNP rs372244228, ClinGen allele CA1594821.